The following is an entry in ClinVar:

NM_016816.4(OAS1):c.767G>A (p.Arg256Gln)

Gene: OAS1 (2'-5'-oligoadenylate synthetase 1; plus strand). Cytogenetic location: 12q24.13.
Variant type: single nucleotide variant.
Coding change: c.767G>A on transcript NM_016816.4 (MANE Select); coding-DNA position 767, G replaced by A.
Protein change: p.Arg256Gln; replaces arginine 256 with glutamine.
Molecular consequence: missense variant.
Genome position (GRCh38, 1-based): chr12:112,916,621, G>A. VCF-style: chr12-112916621-G-A. GRCh37 (hg19) VCF-style: chr12-113354426-G-A.
Other names: c.767G>A, p.Arg256Gln (NM_001032409.3, NM_001320151.2, NM_002534.4); short protein forms R256Q.
Identifiers: ClinVar variation 1482420 (VCV001482420.22), dbSNP rs528923373, ClinGen allele CA6799884.

ClinVar aggregate classification (germline): Conflicting classifications of pathogenicity. Review status: criteria provided, conflicting classifications (1 of 4 stars). 2 submissions from 2 submitters: Uncertain significance (1); Likely benign (1). Last evaluated 2024-10-01.

Allele frequency attached by ClinVar (database versions not stated): ExAC 0.00001; gnomAD exomes 0.00001 and 0.00003; gnomAD 0.00002 and 0.00003; TOPMed 0.00002; 1000 Genomes Project 0.00020; 1000 Genomes Project 30x 0.00031.

Submissions (2):

CeGaT Center for Human Genetics Tuebingen
Classification: Likely benign. Last evaluated: 2024-10-01. Review status: criteria provided, single submitter. Criteria: CeGaT Center For Human Genetics Tuebingen Variant Classification Criteria Version 2. Collection method: clinical testing. Allele origin: germline. Affected: yes. Observed: 1 variant allele.
Comment: OAS1: BP4

Labcorp Genetics (formerly Invitae), Labcorp
Classification: Uncertain significance. Last evaluated: 2024-03-11. Review status: criteria provided, single submitter. Criteria: Invitae Variant Classification Sherloc (09022015). Collection method: clinical testing. Allele origin: germline.
Comment: This sequence change replaces arginine, which is basic and polar, with glutamine, which is neutral and polar, at codon 256 of the OAS1 protein (p.Arg256Gln). This variant is present in population databases (rs528923373, gnomAD 0.01%). This variant has not been reported in the literature in individuals affected with OAS1-related conditions. ClinVar contains an entry for this variant (Variation ID: 1482420). Algorithms developed to predict the effect of missense changes on protein structure and function output the following: SIFT: "Not Available"; PolyPhen-2: "Benign"; Align-GVGD: "Not Available". The glutamine amino acid residue is found in multiple mammalian species, which suggests that this missense change does not adversely affect protein function. In summary, the available evidence is currently insufficient to determine the role of this variant in disease. Therefore, it has been classified as a Variant of Uncertain Significance.